The following is an entry in ClinVar:

ClinVar aggregate classification (germline): Uncertain significance. Review status: criteria provided, multiple submitters, no conflicts (2 of 4 stars). 3 submissions from 3 submitters: Uncertain significance (3). Last evaluated 2023-11-01.

Conditions:
RASopathy. Also called: rasopathies; Noonan spectrum disorder. Identifiers: Orphanet 536391, MedGen C5555857, MONDO:0021060.

Allele frequency attached by ClinVar (database versions not stated): gnomAD 0.00001; gnomAD exomes below 0.00001; TOPMed below 0.00001.
gnomAD v4.1: 2 of 1,613,632 alleles (0.00012%); highest among the groups gnomAD compares: Non-Finnish European, 0.00017%; no homozygotes.

Submissions (3):

Labcorp Genetics (formerly Invitae), Labcorp
Classification: Uncertain significance for RASopathy. Last evaluated: 2023-11-01. Review status: criteria provided, single submitter. Criteria: Invitae Variant Classification Sherloc (09022015). Collection method: clinical testing. Allele origin: germline.
Comment: This sequence change replaces aspartic acid, which is acidic and polar, with asparagine, which is neutral and polar, at codon 677 of the BRAF protein (p.Asp677Asn). This variant is not present in population databases (gnomAD no frequency). This missense change has been observed in individual(s) with hypertrophic cardiomyopathy (PMID: 32746448). ClinVar contains an entry for this variant (Variation ID: 279928). Advanced modeling of protein sequence and biophysical properties (such as structural, functional, and spatial information, amino acid conservation, physicochemical variation, residue mobility, and thermodynamic stability) performed at Invitae indicates that this missense variant is not expected to disrupt BRAF protein function with a negative predictive value of 80%. In summary, the available evidence is currently insufficient to determine the role of this variant in disease. Therefore, it has been classified as a Variant of Uncertain Significance.

Women's Health and Genetics/Laboratory Corporation of America, LabCorp
Classification: Uncertain significance. Last evaluated: 2021-09-23. Review status: criteria provided, single submitter. Criteria: LabCorp Variant Classification Summary - May 2015. Collection method: clinical testing. Allele origin: germline.
Comment: Variant summary: BRAF c.2029G>A (p.Asp677Asn) results in a conservative amino acid change located in the Protein kinase domain of the encoded protein sequence. Three of five in-silico tools predict a damaging effect of the variant on protein function. The variant was absent in 251222 control chromosomes. The available data on variant occurrences in the general population are insufficient to allow any conclusion about variant significance. c.2029G>A has been reported in one individual affected with Parkinsons disease (Lubbe_2016), but has not been reported in any individual affected with Cardiofaciocutaneous Syndrome. These data do not provide unequivocal conclusions about association of the variant with Cardiofaciocutaneous Syndrome. To our knowledge, no experimental evidence demonstrating an impact on protein function has been reported. One clinical diagnostic laboratory has submitted clinical-significance assessments for this variant to ClinVar after 2014 without evidence for independent evaluation and classified the variant as uncertain significance. Based on the evidence outlined above, the variant was classified as uncertain significance.

GeneDx
Classification: Uncertain significance. Last evaluated: 2016-05-24. Review status: criteria provided, single submitter. Criteria: GeneDx Variant Classification (06012015). Collection method: clinical testing. Allele origin: germline. Affected: yes.
Comment: The D677N variant has notbeen published as a pathogenic variant, nor has it been reported as a benign variant to our knowledge.D677N was not observed in approximately 6,500 individuals of European and African Americanancestry in the NHLBI Exome Sequencing Project, indicating it is not a common benign variant inthese populations. The D677N variant is a semi-conservative amino acid substitution, which mayimpact secondary protein structure as these residues differ in some properties. Moreover, thissubstitution occurs at a position that is conserved across species. However, in silico analysis isinconsistent in its predictions as to whether or not the variant is damaging to the proteinstructure/function.Therefore, based on the currently available information, it is unclear whether this variant ispathogenic or rare benign.

Literature cited by the submitters: PubMed 32746448 (cited by Labcorp Genetics (formerly Invitae), Labcorp); PubMed 27640074 (cited by Women's Health and Genetics/Laboratory Corporation of America, LabCorp).

NM_004333.6(BRAF):c.2029G>A (p.Asp677Asn)

Gene: BRAF (B-Raf proto-oncogene, serine/threonine kinase; minus strand). Cytogenetic location: 7q34.
Variant type: single nucleotide variant.
Coding change: c.2029G>A on transcript NM_004333.6 (MANE Select); coding-DNA position 2029, G replaced by A.
Protein change: p.Asp677Asn; replaces aspartic acid 677 with asparagine.
Molecular consequence: missense variant.
Genome position (GRCh38, 1-based): chr7:140,739,910, C>T on the plus strand (G>A on the coding strand, the complement: BRAF is on the minus strand). VCF-style: chr7-140739910-C-T. GRCh37 (hg19) VCF-style: chr7-140439710-C-T.
Other names: c.2029G>A, p.Asp677Asn (NM_001354609.2, NM_001378468.1, NM_001378474.1); c.2149G>A, p.Asp717Asn (NM_001374244.1, NM_001374258.1); c.2038G>A, p.Asp680Asn (NM_001378467.1); c.1963G>A, p.Asp655Asn (NM_001378469.1); c.1927G>A, p.Asp643Asn (NM_001378470.1); c.1918G>A, p.Asp640Asn (NM_001378471.1); c.1873G>A, p.Asp625Asn (NM_001378472.1, NM_001378473.1); c.1765G>A, p.Asp589Asn (NM_001378475.1); short protein forms D677N, D589N, D625N, D640N, D643N, D655N, D680N, D717N.
Identifiers: ClinVar variation 279928 (VCV000279928.6), dbSNP rs886041260, ClinGen allele CA10602950.